The following is an entry in ClinVar:

NM_031229.4(RBCK1):c.725del (p.Gly242fs)

Gene: RBCK1 (RANBP2-type and C3HC4-type zinc finger containing 1; plus strand). Cytogenetic location: 20p13.
Variant type: Deletion.
Coding change: c.725del on transcript NM_031229.4 (MANE Select); coding-DNA position 725, one base deleted (G; older notation c.725delG).
Protein change: p.Gly242fs; shifts the reading frame from glycine 242.
Molecular consequence: frameshift variant. On other transcripts: non-coding transcript variant (1).
Genome position (GRCh38, 1-based): chr20:419,700, G deleted; the last of 3 consecutive G bases (chr20:419,698-419,700); deleting any one gives the same sequence. VCF-style (leftmost placement, unchanged base first): chr20-419697-CG-C. GRCh37 (hg19) VCF-style: chr20-400341-CG-C.
Other names: c.376del, p.Ala126fs (NM_001323956.2, NM_001323958.2); c.776del, p.Gly259fs (NM_001410770.1); c.599del, p.Gly200fs (NM_006462.6); c.725delG (NM_031229.4); short protein forms A126fs, G200fs, G242fs, G259fs.
Identifiers: ClinVar variation 3256939 (VCV003256939.1).

ClinVar aggregate classification (germline): Likely pathogenic (1 of 4 stars; one submission).

Conditions:
Susceptibility to severe COVID-19.

Submission:

Molecular Medicine Center, Medical University of Sofia
Classification: Likely pathogenic for Susceptibility to severe COVID-19. Last evaluated: 2024-07-22. Review status: criteria provided, single submitter. Criteria: ACMG Guidelines, 2015. Collection method: research. Allele origin: germline. Affected: yes.
Comment: Novel (unreported in gnomAD or dbSNP until April 2024) variant found in severely infected COVID-19 Bulgarian patients in a research study. Variant is classified as likely pathogenic according to the ACMG criteria: PM2,PVS1.